The following is an entry in ClinVar:

NM_006015.6(ARID1A):c.1582CAG[1] (p.Gln529del)

Gene: ARID1A (AT-rich interaction domain 1A; plus strand). Cytogenetic location: 1p36.11.
Variant type: Microsatellite.
Coding change: c.1582CAG[1] on transcript NM_006015.6 (MANE Select); one copy of the 3-base unit CAG starting at c.1582; the reference has two copies in a row; one copy, 3 bases deleted.
Protein change: p.Gln529del; deletes glutamine 529.
Molecular consequence: inframe deletion.
Genome position (GRCh38, 1-based): chr1:26,731,386-26,731,388, CAG deleted; deleting any 3 consecutive bases within chr1:26,731,383-26,731,388 gives the same sequence; the position shown is the placement nearest the transcript's 3' end. VCF-style (leftmost placement, unchanged base first): chr1-26731382-TCAG-T. GRCh37 (hg19) VCF-style: chr1-27057873-TCAG-T.
Other names: c.1582CAG[1], p.Gln529del (NM_139135.4); short protein forms Q529del.
Identifiers: ClinVar variation 2771656 (VCV002771656.3), dbSNP rs1457493037, ClinGen allele CA521910029.

ClinVar aggregate classification (germline): Uncertain significance (1 of 4 stars; one submission).

Submission:

Labcorp Genetics (formerly Invitae), Labcorp
Classification: Uncertain significance. Last evaluated: 2023-10-24. Review status: criteria provided, single submitter. Criteria: Invitae Variant Classification Sherloc (09022015). Collection method: clinical testing. Allele origin: germline.
Comment: This variant, c.1585_1587del, results in the deletion of 1 amino acid(s) of the ARID1A protein (p.Gln529del), but otherwise preserves the integrity of the reading frame. This variant is present in population databases (no rsID available, gnomAD 0.002%). This variant has not been reported in the literature in individuals affected with ARID1A-related conditions. Experimental studies and prediction algorithms are not available or were not evaluated, and the functional significance of this variant is currently unknown. In summary, the available evidence is currently insufficient to determine the role of this variant in disease. Therefore, it has been classified as a Variant of Uncertain Significance.